The following is an entry in ClinVar:

ClinVar aggregate classification (germline): Uncertain significance. Review status: criteria provided, multiple submitters, no conflicts (2 of 4 stars). 3 submissions from 3 submitters: Uncertain significance (2). 1 of the submissions does not count toward it. Last evaluated 2022-08-10.

Conditions:
TANGO2-related disorder. Also called: TANGO2-related condition.
Recurrent metabolic encephalomyopathic crises-rhabdomyolysis-cardiac arrhythmia-intellectual disability syndrome (MECRCN). Also called: METABOLIC CRISES, RECURRENT, WITH RHABDOMYOLYSIS, CARDIAC ARRHYTHMIAS, AND NEURODEGENERATION; TANGO2 Deficiency; Metabolic encephalomyopathic crises, recurrent, with rhabdomyolysis, cardiac arrhythmias, and neurodegeneration. Identifiers: Orphanet 480864, MedGen C5567524, MONDO:0018820, OMIM 616878.

Allele frequency attached by ClinVar (database versions not stated): gnomAD below 0.00001 and 0.00007.
gnomAD v4.1: 135 of 1,609,378 alleles (0.0084%); highest among the groups gnomAD compares: South Asian, 0.13%; 2 homozygotes.

Submissions (3):

Labcorp Genetics (formerly Invitae), Labcorp
Classification: Uncertain significance. Last evaluated: 2022-08-10. Review status: criteria provided, single submitter. Criteria: Invitae Variant Classification Sherloc (09022015). Collection method: clinical testing. Allele origin: germline.
Comment: This sequence change falls in intron 2 of the TANGO2 gene. It does not directly change the encoded amino acid sequence of the TANGO2 protein. It affects a nucleotide within the consensus splice site. This variant is present in population databases (rs750814833, gnomAD 0.2%). This variant has not been reported in the literature in individuals affected with TANGO2-related conditions. ClinVar contains an entry for this variant (Variation ID: 1027803). Variants that disrupt the consensus splice site are a relatively common cause of aberrant splicing (PMID: 17576681, 9536098). Algorithms developed to predict the effect of sequence changes on RNA splicing suggest that this variant is not likely to affect RNA splicing. In summary, the available evidence is currently insufficient to determine the role of this variant in disease. Therefore, it has been classified as a Variant of Uncertain Significance.

Baylor Genetics
Classification: Uncertain significance for Recurrent metabolic encephalomyopathic crises-rhabdomyolysis-cardiac arrhythmia-intellectual disability syndrome. Last evaluated: 2020-10-28. Review status: criteria provided, single submitter. Criteria: ACMG Guidelines, 2015. Collection method: clinical testing. Allele origin: unknown. Affected: yes.
Comment: This variant was determined to be of uncertain significance according to ACMG Guidelines, 2015 [PMID:25741868].

PreventionGenetics, part of Exact Sciences
Classification: Likely benign for TANGO2-related condition. Last evaluated: 2024-06-25. Review status: no assertion criteria provided. Collection method: clinical testing. Allele origin: germline. Not counted in ClinVar's aggregate classification.
Comment: This variant is classified as likely benign based on ACMG/AMP sequence variant interpretation guidelines (Richards et al. 2015 PMID: 25741868, with internal and published modifications).

Literature cited by the submitters: PubMed 17576681 (cited by Labcorp Genetics (formerly Invitae), Labcorp); PubMed 9536098 (cited by Labcorp Genetics (formerly Invitae), Labcorp).

NM_152906.7(TANGO2):c.57-3C>T

Gene: TANGO2 (transport and golgi organization 2 homolog; plus strand). Cytogenetic location: 22q11.21.
Variant type: single nucleotide variant.
Coding change: c.57-3C>T on transcript NM_152906.7 (MANE Select); 3 bases into the intron before coding-DNA position 57, C replaced by T.
Molecular consequence: intron variant.
Genome position (GRCh38, 1-based): chr22:20,043,352, C>T. VCF-style: chr22-20043352-C-T. GRCh37 (hg19) VCF-style: chr22-20030875-C-T.
Other names: c.57-3C>T (NM_001283106.3, NM_001322163.2, NM_001283179.3 and 11 more transcripts); c.-123-3C>T (NM_001322174.2, NM_001322172.2, NM_001322160.2 and 9 more transcripts); c.180-3C>T (NM_001322143.2, NM_001322145.2, NM_001322141.2 and 5 more transcripts).
Identifiers: ClinVar variation 1027803 (VCV001027803.6), dbSNP rs750814833, ClinGen allele CA10106186.